The following is an entry in ClinVar:

ClinVar aggregate classification (germline): Uncertain significance. Review status: criteria provided, multiple submitters, no conflicts (2 of 4 stars). 2 submissions from 2 submitters: Uncertain significance (2). Last evaluated 2026-06-15.

Conditions:
Hereditary cancer-predisposing syndrome. Also called: Neoplastic Syndromes, Hereditary; Hereditary Cancer Syndrome; Hereditary neoplastic syndrome; Tumor predisposition. Identifiers: Orphanet 140162, MedGen C0027672, MeSH D009386, MONDO:0015356.
Pheochromocytoma/paraganglioma syndrome 3. Also called: SDHC-Related Hereditary Paraganglioma-Pheochromocytoma Syndrome (Paragangliomas 3); GLOMUS TUMORS, FAMILIAL, 3; SDHC-Related Hereditary Paraganglioma-Pheochromocytoma Syndrome; Paragangliomas 3. Identifiers: Orphanet 29072, MedGen C1854336, MONDO:0011544, OMIM 605373.
Gastrointestinal stromal tumor. Also called: Gastrointestinal stromal tumor, somatic; Gastrointestinal stroma tumor. Identifiers: Orphanet 44890, MedGen C0238198, MeSH D046152, MONDO:0011719, OMIM 606764, HP:0100723.

Submissions (2):

Ambry Genetics
Classification: Uncertain significance for Hereditary cancer-predisposing syndrome. Last evaluated: 2026-06-15. Review status: criteria provided, single submitter. Criteria: Ambry Variant Classification Scheme 2023. Collection method: clinical testing. Allele origin: germline.
Comment: The p.P64S variant (also known as c.190C>T), located in coding exon 4 of the SDHC gene, results from a C to T substitution at nucleotide position 190. The proline at codon 64 is replaced by serine, an amino acid with similar properties. This amino acid position is highly conserved in available vertebrate species. In addition, the in silico prediction for this alteration is inconclusive. Based on the available evidence, the clinical significance of this variant remains unclear.

Labcorp Genetics (formerly Invitae), Labcorp
Classification: Uncertain significance for Pheochromocytoma/paraganglioma syndrome 3; Gastrointestinal stromal tumor. Last evaluated: 2024-02-26. Review status: criteria provided, single submitter. Criteria: Invitae Variant Classification Sherloc (09022015). Collection method: clinical testing. Allele origin: germline.
Comment: This sequence change replaces proline, which is neutral and non-polar, with serine, which is neutral and polar, at codon 64 of the SDHC protein (p.Pro64Ser). This variant is not present in population databases (gnomAD no frequency). This variant has not been reported in the literature in individuals affected with SDHC-related conditions. ClinVar contains an entry for this variant (Variation ID: 660729). An algorithm developed to predict the effect of missense changes on protein structure and function (PolyPhen-2) suggests that this variant is likely to be disruptive. In summary, the available evidence is currently insufficient to determine the role of this variant in disease. Therefore, it has been classified as a Variant of Uncertain Significance.

NM_003001.5(SDHC):c.190C>T (p.Pro64Ser)

Gene: SDHC (succinate dehydrogenase complex subunit C; plus strand). Cytogenetic location: 1q23.3.
Variant type: single nucleotide variant.
Coding change: c.190C>T on transcript NM_003001.5 (MANE Select); coding-DNA position 190, C replaced by T.
Protein change: p.Pro64Ser; replaces proline 64 with serine.
Molecular consequence: missense variant.
Genome position (GRCh38, 1-based): chr1:161,340,604, C>T. VCF-style: chr1-161340604-C-T. GRCh37 (hg19) VCF-style: chr1-161310394-C-T.
Other names: c.79C>T, p.Pro27Ser (NM_001407120.1, NM_001407119.1); c.133C>T, p.Pro45Ser (NM_001407121.1, NM_001407116.1, NM_001407117.1); c.190C>T, p.Pro64Ser (NM_001035511.3); c.88C>T, p.Pro30Ser (NM_001035512.3, NM_001278172.3, NM_001407118.1); c.31C>T, p.Pro11Ser (NM_001035513.3); c.310C>T, p.Pro104Ser (NM_001407115.1); short protein forms P30S, P64S, P11S, P104S, P45S, P27S.
Identifiers: ClinVar variation 660729 (VCV000660729.11), dbSNP rs1571869136, ClinGen allele CA343365711.
Genomic context (GRCh38, chr1:161,340,604, plus strand): 5'-ATGGTGTCATCTTTTCCTTTTTAAAATTGTCTTTGTGTGTTTCTTTACAGTTGGTCTCTT[C>T]CCATGGCGATGTCCATCTGCCACCGTGGCACTGGTATTGCTTTGAGTGCAGGTATGTATA-3'
Protein context (NP_002992.1, residues 54-74): PHITIYSWSL[Pro64Ser]MAMSICHRGT